The following is an entry in ClinVar:

ClinVar aggregate classification (germline): Likely benign. Review status: criteria provided, multiple submitters, no conflicts (2 of 4 stars). 2 submissions from 2 submitters: Likely benign (2). Last evaluated 2020-11-11.

Conditions:
Autosomal dominant epilepsy with auditory features. Identifiers: Orphanet 101046, MedGen C1838062, MONDO:0010898.

Allele frequency attached by ClinVar (database versions not stated): TOPMed 0.00001.

Submissions (2):

Labcorp Genetics (formerly Invitae), Labcorp
Classification: Likely benign for Autosomal dominant epilepsy with auditory features. Last evaluated: 2020-11-11. Review status: criteria provided, single submitter. Criteria: Invitae Variant Classification Sherloc (09022015). Collection method: clinical testing. Allele origin: germline.

GeneDx
Classification: Likely benign. Last evaluated: 2016-08-22. Review status: criteria provided, single submitter. Criteria: GeneDx Variant Classification (06012015). Collection method: clinical testing. Allele origin: germline. Affected: yes.
Comment: This variant is considered likely benign or benign based on one or more of the following criteria: it is a conservative change, it occurs at a poorly conserved position in the protein, it is predicted to be benign by multiple in silico algorithms, and/or has population frequency not consistent with disease.

NM_005097.4(LGI1):c.498A>C (p.Thr166=)

Gene: LGI1 (leucine rich glioma inactivated 1; plus strand). Cytogenetic location: 10q23.33.
Variant type: single nucleotide variant.
Coding change: c.498A>C on transcript NM_005097.4 (MANE Select); coding-DNA position 498, A replaced by C.
Protein change: p.Thr166=; no amino-acid change (threonine 166 retained).
Molecular consequence: synonymous variant. On other transcripts: non-coding transcript variant (1).
Genome position (GRCh38, 1-based): chr10:93,790,165, A>C. VCF-style: chr10-93790165-A-C. GRCh37 (hg19) VCF-style: chr10-95549922-A-C.
Other names: c.498A>C, p.Thr166= (NM_001308275.2); c.354A>C, p.Thr118= (NM_001308276.2).
Identifiers: ClinVar variation 388845 (VCV000388845.8), dbSNP rs1057523247, ClinGen allele CA16606116.